The following is an entry in ClinVar:

NM_000334.4(SCN4A):c.1478G>A (p.Gly493Asp)

Gene: SCN4A (sodium voltage-gated channel alpha subunit 4; minus strand). Cytogenetic location: 17q23.3.
Variant type: single nucleotide variant.
Coding change: c.1478G>A on transcript NM_000334.4 (MANE Select); coding-DNA position 1478, G replaced by A.
Protein change: p.Gly493Asp; replaces glycine 493 with aspartic acid.
Molecular consequence: missense variant.
Genome position (GRCh38, 1-based): chr17:63,963,800, C>T on the plus strand (G>A on the coding strand, the complement: SCN4A is on the minus strand). VCF-style: chr17-63963800-C-T. GRCh37 (hg19) VCF-style: chr17-62041160-C-T.
Other names: short protein forms G493D.
Identifiers: ClinVar variation 660631 (VCV000660631.10), dbSNP rs760478847, ClinGen allele CA8709828.

ClinVar aggregate classification (germline): Uncertain significance. Review status: criteria provided, multiple submitters, no conflicts (2 of 4 stars). 2 submissions from 2 submitters: Uncertain significance (2). Last evaluated 2024-11-13.

Conditions:
Hyperkalemic periodic paralysis. Also called: Familial hyperkalemic periodic paralysis; Gamstorp disease. Identifiers: Orphanet 682, MedGen C0238357, MONDO:0008224, OMIM 170500, HP:0007215.

Allele frequency attached by ClinVar (database versions not stated): gnomAD 0.00001; gnomAD exomes below 0.00001; ExAC 0.00001.

Submissions (2):

Revvity Omics, Revvity
Classification: Uncertain significance. Last evaluated: 2024-11-13. Review status: criteria provided, single submitter. Criteria: ACMG Guidelines, 2015. Collection method: clinical testing. Allele origin: germline.

Labcorp Genetics (formerly Invitae), Labcorp
Classification: Uncertain significance for Hyperkalemic periodic paralysis. Last evaluated: 2024-09-28. Review status: criteria provided, single submitter. Criteria: Invitae Variant Classification Sherloc (09022015). Collection method: clinical testing. Allele origin: germline.
Comment: This sequence change replaces glycine, which is neutral and non-polar, with aspartic acid, which is acidic and polar, at codon 493 of the SCN4A protein (p.Gly493Asp). This variant is present in population databases (rs760478847, gnomAD 0.001%). This variant has not been reported in the literature in individuals affected with SCN4A-related conditions. ClinVar contains an entry for this variant (Variation ID: 660631). An algorithm developed to predict the effect of missense changes on protein structure and function outputs the following: PolyPhen-2: "Benign". The aspartic acid amino acid residue is found in multiple mammalian species, which suggests that this missense change does not adversely affect protein function. In summary, the available evidence is currently insufficient to determine the role of this variant in disease. Therefore, it has been classified as a Variant of Uncertain Significance.